The following is an entry in ClinVar:

NM_000103.4(CYP19A1):c.23_24insTCCTTA (p.Pro8_Ile9insProTer)

Genes: MIR4713HG (MIR4713 host gene; plus strand), CYP19A1 (cytochrome P450 family 19 subfamily A member 1; minus strand), PIRC66 (piwi-interacting RNA cluster 66; plus strand), LOC110386951 (CYP19A1 promoter II/1.3; plus strand). Cytogenetic location: 15q21.2.
Variant type: Insertion.
Coding change: c.23_24insTCCTTA on transcript NM_000103.4 (MANE Select); coding-DNA positions 23 to 24, TCCTTA inserted.
Protein change: p.Pro8_Ile9insProTer.
Molecular consequence: nonsense, inframe insertion.
Genome position: GRCh38 VCF-style: chr15-51242889-C-CTAAGGA. GRCh37 (hg19) VCF-style: chr15-51535086-C-CTAAGGA.
Other names: c.23_24insTCCTTA, p.Pro8_Ile9insProTer (NM_001347253.2, NM_001347254.2, NM_001347255.2 and 7 more transcripts).
Identifiers: ClinVar variation 4816271 (VCV004816271.1).

ClinVar aggregate classification (germline): Likely pathogenic (1 of 4 stars; one submission).

Conditions:
Aromatase deficiency. Also called: PSEUDOHERMAPHRODITISM, FEMALE, DUE TO PLACENTAL AROMATASE DEFICIENCY; Increased aromatase activity. Identifiers: Orphanet 91, MedGen C1960539, MONDO:0013301, OMIM 613546.

Submission:

Natera, Inc.
Classification: Likely pathogenic for Aromatase deficiency. Last evaluated: 2024-02-23. Review status: criteria provided, single submitter. Criteria: Natera Variant Classification Schema (03/2026). Collection method: clinical testing. Allele origin: germline.
Comment: The c.23_24insTCCTTA variant in CYP19A1 is an in-frame insertion. This variant is expected to result in nonsense mediated decay, truncation, or a dysfunctional protein product. This variant is rare in the general population with a frequency below the threshold expected for the associated phenotype(s). Given the available evidence, this variant is classified as Likely Pathogenic.